The following is an entry in ClinVar:

NM_001199267.2(DGKZ):c.2644G>A (p.Ala882Thr)

Gene: DGKZ (diacylglycerol kinase zeta; plus strand). Cytogenetic location: 11p11.2.
Variant type: single nucleotide variant.
Coding change: c.2644G>A on transcript NM_001199267.2 (MANE Select); coding-DNA position 2644, G replaced by A.
Protein change: p.Ala882Thr; replaces alanine 882 with threonine.
Molecular consequence: missense variant.
Genome position (GRCh38, 1-based): chr11:46,379,542, G>A. VCF-style: chr11-46379542-G-A. GRCh37 (hg19) VCF-style: chr11-46401092-G-A.
Other names: c.3211G>A (NM_001105540.1); c.3211G>A, p.Ala1071Thr (NM_001105540.2); c.2662G>A, p.Ala888Thr (NM_001199266.2); c.2578G>A, p.Ala860Thr (NM_001199268.2); c.2647G>A, p.Ala883Thr (NM_003646.4); c.2695G>A, p.Ala899Thr (NM_201532.3); c.2659G>A, p.Ala887Thr (NM_201533.3); short protein forms A860T, A887T, A882T, A899T, A1071T, A883T, A888T.
Identifiers: ClinVar variation 2776867 (VCV002776867.4), dbSNP rs1487067100, ClinGen allele CA380228124.

ClinVar aggregate classification (germline): Uncertain significance. Review status: criteria provided, multiple submitters, no conflicts (2 of 4 stars). 2 submissions from 2 submitters: Uncertain significance (2). Last evaluated 2025-08-23.

gnomAD v4.1: 2 of 1,610,852 alleles (0.00012%); highest among the groups gnomAD compares: African/African-American, 0.0013%; no homozygotes.

Submissions (2):

Ambry Genetics
Classification: Uncertain significance. Last evaluated: 2025-08-23. Review status: criteria provided, single submitter. Criteria: Ambry Variant Classification Scheme 2023. Collection method: clinical testing. Allele origin: germline.

Labcorp Genetics (formerly Invitae), Labcorp
Classification: Uncertain significance. Last evaluated: 2024-09-05. Review status: criteria provided, single submitter. Criteria: Invitae Variant Classification Sherloc (09022015). Collection method: clinical testing. Allele origin: germline.
Comment: This sequence change replaces alanine, which is neutral and non-polar, with threonine, which is neutral and polar, at codon 1071 of the DGKZ protein (p.Ala1071Thr). The frequency data for this variant in the population databases is considered unreliable, as metrics indicate poor data quality at this position in the gnomAD database. This variant has not been reported in the literature in individuals affected with DGKZ-related conditions. An algorithm developed to predict the effect of missense changes on protein structure and function (PolyPhen-2) suggests that this variant is likely to be disruptive. In summary, the available evidence is currently insufficient to determine the role of this variant in disease. Therefore, it has been classified as a Variant of Uncertain Significance.